The following is an entry in ClinVar:

NM_014000.3(VCL):c.2798C>T (p.Ala933Val)

Gene: VCL (vinculin; plus strand). Cytogenetic location: 10q22.2.
Variant type: single nucleotide variant.
Coding change: c.2798C>T on transcript NM_014000.3 (MANE Select); coding-DNA position 2798, C replaced by T.
Protein change: p.Ala933Val; replaces alanine 933 with valine.
Molecular consequence: missense variant. On other transcripts: intron variant (1).
Genome position (GRCh38, 1-based): chr10:74,111,961, C>T. VCF-style: chr10-74111961-C-T. GRCh37 (hg19) VCF-style: chr10-75871719-C-T.
Other names: c.2746-2223C>T (NM_003373.4); c.2798C>T (NM_014000.2); short protein forms A933V.
Identifiers: ClinVar variation 1017552 (VCV001017552.10), dbSNP rs550741064, ClinGen allele CA5563310.
Genomic context (GRCh38, chr10:74,111,961, plus strand): 5'-CGACAAAGCCGGGCATCCCAGCCGCTGAGGTGGGTATAGGTGTTGTAGCTGAGGCAGATG[C>T]GGCCGATGCTGCTGGCTTCCCTGTCCCCCCTGACATGGAAGACGATTACGAACCTGAGCT-3'
Protein context (NP_054706.1, residues 923-943): VGIGVVAEAD[Ala933Val]ADAAGFPVPP

ClinVar aggregate classification (germline): Conflicting classifications of pathogenicity. Review status: criteria provided, conflicting classifications (1 of 4 stars). 4 submissions from 4 submitters: Uncertain significance (2); Likely benign (2). Last evaluated 2026-05-11.

Conditions:
Cardiovascular phenotype. Identifiers: MedGen CN230736.
Dilated cardiomyopathy 1W (CMD1W). Identifiers: Orphanet 154, MedGen C1969639, MONDO:0012667, OMIM 611407.

Allele frequency attached by ClinVar (database versions not stated): gnomAD exomes 0.00004 and 0.00002; TOPMed 0.00005; ExAC 0.00003; 1000 Genomes Project 0.00020; gnomAD 0.00001 and 0.00002; 1000 Genomes Project 30x 0.00016.

Submissions (4):

Women's Health and Genetics/Laboratory Corporation of America, LabCorp
Classification: Likely benign. Last evaluated: 2026-05-11. Review status: criteria provided, single submitter. Criteria: LabCorp Variant Classification Summary - May 2015. Collection method: clinical testing. Allele origin: germline.
Comment: Variant summary: VCL c.2798C>T (p.Ala933Val) results in a non-conservative amino acid change in the encoded protein sequence. Algorithms developed to predict the effect of missense changes on protein structure and function are either unavailable or do not agree on the potential impact of this missense change. The variant allele was found at a frequency of 4e-05 in 251448 control chromosomes. The observed variant frequency exceeds the estimated maximal expected allele frequency for disease-causing variants in VCL. To our knowledge, no occurrence of c.2798C>T in individuals affected with VCL-related conditions and no experimental evidence demonstrating its impact on protein function have been reported. ClinVar contains an entry for this variant (Variation ID: 1017552). Based on the evidence outlined above, the variant was classified as likely benign.

Labcorp Genetics (formerly Invitae), Labcorp
Classification: Uncertain significance for Dilated cardiomyopathy 1W. Last evaluated: 2025-10-08. Review status: criteria provided, single submitter. Criteria: Invitae Variant Classification Sherloc (09022015). Collection method: clinical testing. Allele origin: germline.
Comment: This sequence change replaces alanine, which is neutral and non-polar, with valine, which is neutral and non-polar, at codon 933 of the VCL protein (p.Ala933Val). This variant is present in population databases (rs550741064, gnomAD 0.02%). This variant has not been reported in the literature in individuals affected with VCL-related conditions. ClinVar contains an entry for this variant (Variation ID: 1017552). An algorithm developed to predict the effect of missense changes on protein structure and function outputs the following: PolyPhen-2: "Benign". The valine amino acid residue is found in multiple mammalian species, which suggests that this missense change does not adversely affect protein function. In summary, the available evidence is currently insufficient to determine the role of this variant in disease. Therefore, it has been classified as a Variant of Uncertain Significance.

GeneDx
Classification: Uncertain significance. Last evaluated: 2024-09-18. Review status: criteria provided, single submitter. Criteria: GeneDx Variant Classification Process June 2021. Collection method: clinical testing. Allele origin: germline. Affected: yes.
Comment: In silico analysis indicates that this missense variant does not alter protein structure/function; Has not been previously published as pathogenic or benign to our knowledge

Ambry Genetics
Classification: Likely benign for Cardiovascular phenotype. Last evaluated: 2024-05-29. Review status: criteria provided, single submitter. Criteria: Ambry Variant Classification Scheme 2023. Collection method: clinical testing. Allele origin: germline.

Literature cited by the submitters: PubMed 30847666 (cited by Ambry Genetics).